The following is an entry in ClinVar:

ClinVar aggregate classification (germline): Uncertain significance (1 of 4 stars; one submission).

gnomAD v4.1: 2 of 1,613,714 alleles (0.00012%); no homozygotes.

Submission:

Labcorp Genetics (formerly Invitae), Labcorp
Classification: Uncertain significance. Last evaluated: 2023-08-31. Review status: criteria provided, single submitter. Criteria: Invitae Variant Classification Sherloc (09022015). Collection method: clinical testing. Allele origin: germline.
Comment: In summary, the available evidence is currently insufficient to determine the role of this variant in disease. Therefore, it has been classified as a Variant of Uncertain Significance. Advanced modeling of protein sequence and biophysical properties (such as structural, functional, and spatial information, amino acid conservation, physicochemical variation, residue mobility, and thermodynamic stability) performed at Invitae indicates that this missense variant is not expected to disrupt NSD1 protein function. This variant has not been reported in the literature in individuals affected with NSD1-related conditions. This variant is not present in population databases (gnomAD no frequency). This sequence change replaces isoleucine, which is neutral and non-polar, with leucine, which is neutral and non-polar, at codon 1464 of the NSD1 protein (p.Ile1464Leu).

NM_022455.5(NSD1):c.4390A>T (p.Ile1464Leu)

Gene: NSD1 (nuclear receptor binding SET domain protein 1; plus strand). Cytogenetic location: 5q35.3.
Variant type: single nucleotide variant.
Coding change: c.4390A>T on transcript NM_022455.5 (MANE Select); coding-DNA position 4390, A replaced by T.
Protein change: p.Ile1464Leu; replaces isoleucine 1464 with leucine.
Molecular consequence: missense variant.
Genome position (GRCh38, 1-based): chr5:177,246,689, A>T. VCF-style: chr5-177246689-A-T. GRCh37 (hg19) VCF-style: chr5-176673690-A-T.
Other names: c.3517A>T, p.Ile1173Leu (NM_172349.5, NM_001365684.2, NM_001409306.1 and 3 more transcripts); c.4390A>T, p.Ile1464Leu (NM_001409301.1, NM_001409302.1, NM_001409303.1); c.3970A>T, p.Ile1324Leu (NM_001409304.1); c.3637A>T, p.Ile1213Leu (NM_001409305.1); short protein forms I1213L, I1173L, I1324L, I1464L.
Identifiers: ClinVar variation 3644219 (VCV003644219.2).